The following is an entry in ClinVar:

ClinVar aggregate classification (germline): Uncertain significance. Review status: criteria provided, multiple submitters, no conflicts (2 of 4 stars). 2 submissions from 2 submitters: Uncertain significance (2). Last evaluated 2025-12-14.

Conditions:
Cardiovascular phenotype. Identifiers: MedGen CN230736.

Allele frequency attached by ClinVar (database versions not stated): gnomAD exomes 0.00001 and 0.00002; ExAC 0.00002; gnomAD 0.00016; TOPMed 0.00016.
gnomAD v4.1: 35 of 1,614,088 alleles (0.0022%); highest among the groups gnomAD compares: African/African-American, 0.04%; no homozygotes.

Submissions (2):

Labcorp Genetics (formerly Invitae), Labcorp
Classification: Uncertain significance. Last evaluated: 2025-12-14. Review status: criteria provided, single submitter. Criteria: Invitae Variant Classification Sherloc (09022015). Collection method: clinical testing. Allele origin: germline.
Comment: This sequence change replaces leucine, which is neutral and non-polar, with phenylalanine, which is neutral and non-polar, at codon 1563 of the ALPK3 protein (p.Leu1563Phe). This variant is present in population databases (rs780101092, gnomAD 0.05%). This variant has not been reported in the literature in individuals affected with ALPK3-related conditions. ClinVar contains an entry for this variant (Variation ID: 1394846). Invitae Evidence Modeling of protein sequence and biophysical properties (such as structural, functional, and spatial information, amino acid conservation, physicochemical variation, residue mobility, and thermodynamic stability) indicates that this missense variant is expected to disrupt ALPK3 protein function with a positive predictive value of 80%. In summary, the available evidence is currently insufficient to determine the role of this variant in disease. Therefore, it has been classified as a Variant of Uncertain Significance.

Ambry Genetics
Classification: Uncertain significance for Cardiovascular phenotype. Last evaluated: 2025-02-10. Review status: criteria provided, single submitter. Criteria: Ambry Variant Classification Scheme 2023. Collection method: clinical testing. Allele origin: germline.
Comment: The p.L1563F variant (also known as c.4687C>T), located in coding exon 8 of the ALPK3 gene, results from a C to T substitution at nucleotide position 4687. The leucine at codon 1563 is replaced by phenylalanine, an amino acid with highly similar properties. This amino acid position is highly conserved in available vertebrate species. In addition, the in silico prediction for this alteration is inconclusive. Since supporting evidence is limited at this time, the clinical significance of this alteration remains unclear.

NM_020778.5(ALPK3):c.4081C>T (p.Leu1361Phe)

Gene: ALPK3 (alpha kinase 3; plus strand). Cytogenetic location: 15q25.3.
Variant type: single nucleotide variant.
Coding change: c.4081C>T on transcript NM_020778.5 (MANE Select); coding-DNA position 4081, C replaced by T.
Protein change: p.Leu1361Phe; replaces leucine 1361 with phenylalanine.
Molecular consequence: missense variant.
Genome position (GRCh38, 1-based): chr15:84,859,891, C>T. VCF-style: chr15-84859891-C-T. GRCh37 (hg19) VCF-style: chr15-85403122-C-T.
Other names: short protein forms L1361F.
Identifiers: ClinVar variation 1394846 (VCV001394846.11), dbSNP rs780101092, ClinGen allele CA7709828.